The following is an entry in ClinVar:

NM_007215.4(POLG2):c.562G>C (p.Gly188Arg)

Genes: POLG2 (DNA polymerase gamma 2, accessory subunit; minus strand), MILR1 (mast cell immunoglobulin like receptor 1; plus strand). Cytogenetic location: 17q23.3.
Variant type: single nucleotide variant.
Coding change: c.562G>C on transcript NM_007215.4 (MANE Select); coding-DNA position 562, G replaced by C.
Protein change: p.Gly188Arg; replaces glycine 188 with arginine.
Molecular consequence: missense variant.
Genome position (GRCh38, 1-based): chr17:64,496,407, C>G on the plus strand (G>C on the coding strand, the complement: POLG2 is on the minus strand). VCF-style: chr17-64496407-C-G. GRCh37 (hg19) VCF-style: chr17-62492525-C-G.
Other names: c.562G>C (NM_007215.3); short protein forms G188R.
Identifiers: ClinVar variation 1434611 (VCV001434611.9), dbSNP rs1339478122, ClinGen allele CA400640671.

ClinVar aggregate classification (germline): Uncertain significance. Review status: criteria provided, multiple submitters, no conflicts (2 of 4 stars). 2 submissions from 2 submitters: Uncertain significance (2). Last evaluated 2022-02-02.

Conditions:
Progressive external ophthalmoplegia with mitochondrial DNA deletions, autosomal dominant 4. Also called: PROGRESSIVE EXTERNAL OPHTHALMOPLEGIA, AUTOSOMAL DOMINANT 4. Identifiers: MedGen C1864668, MONDO:0012415, OMIM 610131.

Allele frequency attached by ClinVar (database versions not stated): gnomAD 0.00001; gnomAD exomes 0.00001; TOPMed 0.00001.
gnomAD v4.1: 30 of 1,563,708 alleles (0.0019%); highest among the groups gnomAD compares: Non-Finnish European, 0.0026%; no homozygotes.

Submissions (2):

Victorian Clinical Genetics Services, Murdoch Childrens Research Institute
Classification: Uncertain significance for Progressive external ophthalmoplegia with mitochondrial DNA deletions, autosomal dominant 4. Last evaluated: 2022-02-02. Review status: criteria provided, single submitter. Criteria: ACMG Guidelines, 2015. Collection method: clinical testing. Allele origin: germline.
Comment: Based on the classification scheme VCGS_Germline_v1.3.4, this variant is classified as 3B-VUS. Following criteria are met: 0102 - Loss of function is a known mechanism of disease in this gene and is associated with mitochondrial DNA depletion syndrome 16 (hepatic type) (MIM#618528) and progressive external ophthalmoplegia with mitochondrial DNA deletions (PEO; MIM#610131). However, dominant-negative has been reported for one missense variant (p.Gly451Glu) identified in one individual with PEO (PMID: 26123486). (I) 0108 - This gene is associated with both recessive and dominant disease (OMIM). (I) 0115 - Variants in this gene are known to have variable expressivity, associated with dominant disease (OMIM). (I) 0200 - Variant is predicted to result in a missense amino acid change from glycine to arginine. It should also be noted that this variant is in a splice region. (I) 0251 - This variant is heterozygous. (I) 0304 - Variant is present in gnomAD <0.01 (v3: 1 heterozygote, 0 homozygotes). (SP) 0502 - Missense variant with conflicting in silico predictions and uninformative conservation. In silico predictions for abnormal splicing for this variant are inconclusive as the WT donor site was either not predicted or below the confidence threshold. (I) 0600 - Variant is located in the annotated class II tRNA amino-acyl synthetase-like catalytic core domain (NCBI gene). (I) 0705 - No comparable missense variants have previous evidence for pathogenicity. (I) 0807 - This variant has no previous evidence of pathogenicity. (I) 0905 - No published segregation evidence has been identified for this variant. (I) 1007 - No published functional evidence has been identified for this variant. (I) 1208 - Inheritance information for this variant is not currently available in this individual. (I) Legend: (SP) - Supporting pathogenic, (I) - Information, (SB) - Supporting benign

Labcorp Genetics (formerly Invitae), Labcorp
Classification: Uncertain significance. Last evaluated: 2021-06-08. Review status: criteria provided, single submitter. Criteria: Invitae Variant Classification Sherloc (09022015). Collection method: clinical testing. Allele origin: germline.
Comment: This sequence change replaces glycine with arginine at codon 188 of the POLG2 protein (p.Gly188Arg). The glycine residue is highly conserved and there is a moderate physicochemical difference between glycine and arginine. This variant also falls at the last nucleotide of exon 1, which is part of the consensus splice site for this exon. This variant is not present in population databases (ExAC no frequency). This variant has not been reported in the literature in individuals with POLG2-related conditions. Algorithms developed to predict the effect of missense changes on protein structure and function are either unavailable or do not agree on the potential impact of this missense change (SIFT: "Deleterious"; PolyPhen-2: "Probably Damaging"; Align-GVGD: "Class C15"). Nucleotide substitutions within the consensus splice site are a relatively common cause of aberrant splicing (PMID: 17576681, 9536098). Algorithms developed to predict the effect of sequence changes on RNA splicing suggest that this variant may disrupt the consensus splice site, but this prediction has not been confirmed by published transcriptional studies. In summary, the available evidence is currently insufficient to determine the role of this variant in disease. Therefore, it has been classified as a Variant of Uncertain Significance.

Literature cited by the submitters: PubMed 26123486 (cited by Victorian Clinical Genetics Services, Murdoch Childrens Research Institute); PubMed 17576681 (cited by Labcorp Genetics (formerly Invitae), Labcorp); PubMed 9536098 (cited by Labcorp Genetics (formerly Invitae), Labcorp).